The following is an entry in ClinVar:

NM_024675.4(PALB2):c.395del (p.Val132fs)

Gene: PALB2 (partner and localizer of BRCA2; minus strand). Cytogenetic location: 16p12.2.
Variant type: Deletion.
Coding change: c.395del on transcript NM_024675.4 (MANE Select); coding-DNA position 395, one base deleted (T; older notation c.395delT).
Protein change: p.Val132fs; shifts the reading frame from valine 132.
Molecular consequence: frameshift variant.
Genome position (GRCh38, 1-based): chr16:23,636,151, A deleted on the plus strand (T on the coding strand, the reverse complement: PALB2 is on the minus strand). VCF-style (leftmost placement, unchanged base first): chr16-23636150-GA-G. GRCh37 (hg19) VCF-style: chr16-23647471-GA-G.
Other names: NM_024675.3:c.395del; c.395delT (NM_024675.3); short protein forms V132fs.
Identifiers: ClinVar variation 126748 (VCV000126748.17), dbSNP rs180177085, ClinGen allele CA269628.

ClinVar aggregate classification (germline): Pathogenic. Review status: criteria provided, multiple submitters, no conflicts (2 of 4 stars). 5 submissions from 5 submitters: Pathogenic (4). 1 of the submissions does not count toward it. Last evaluated 2024-09-13.

Conditions:
Pancreatic cancer, susceptibility to, 3. Identifiers: Orphanet 1333, MedGen C3150547, MONDO:0013236, OMIM 613348.
Fanconi anemia complementation group N. Also called: PALB2-Related Fanconi Anemia. Identifiers: Orphanet 84, MedGen C1835817, MONDO:0012565, OMIM 610832. Disease mechanism: loss of function.
Breast-ovarian cancer, familial, susceptibility to, 5 (BROVCA5). Identifiers: MedGen C5830615, MONDO:0957530, OMIM 620442.
Hereditary cancer-predisposing syndrome. Also called: Tumor predisposition; Hereditary Cancer Syndrome; Neoplastic Syndromes, Hereditary; Hereditary neoplastic syndrome. Identifiers: Orphanet 140162, MedGen C0027672, MeSH D009386, MONDO:0015356.
Familial cancer of breast. Also called: BREAST CANCER, FAMILIAL; Hereditary breast cancer; hereditary breast carcinoma. Identifiers: Orphanet 227535, MedGen C0346153, MONDO:0016419, OMIM 114480. Disease mechanism: loss of function.

Allele frequency attached by ClinVar (database versions not stated): gnomAD exomes 0.00001 and below 0.00001; ExAC 0.00002.

Submissions (5):

Institute of Human Genetics, Clinical Exome/Genome Diagnostics Group, University Hospital Bonn
Classification: Pathogenic for Breast-ovarian cancer, familial, susceptibility to, 5; Pancreatic cancer, susceptibility to, 3; Fanconi anemia complementation group N. Last evaluated: 2024-09-13. Review status: criteria provided, single submitter. Criteria: ACMG Guidelines, 2015. Collection method: clinical testing. Allele origin: paternal.

Labcorp Genetics (formerly Invitae), Labcorp
Classification: Pathogenic for Familial cancer of breast. Last evaluated: 2024-04-02. Review status: criteria provided, single submitter. Criteria: Invitae Variant Classification Sherloc (09022015). Collection method: clinical testing. Allele origin: germline.
Comment: This sequence change creates a premature translational stop signal (p.Val132Alafs*45) in the PALB2 gene. It is expected to result in an absent or disrupted protein product. Loss-of-function variants in PALB2 are known to be pathogenic (PMID: 17200668, 17200671, 17200672, 24136930, 25099575). This variant is present in population databases (rs180177085, gnomAD 0.002%). This premature translational stop signal has been observed in individual(s) with Fanconi anemia (PMID: 17200671). ClinVar contains an entry for this variant (Variation ID: 126748). For these reasons, this variant has been classified as Pathogenic.

Myriad Genetics, Inc.
Classification: Pathogenic for Familial cancer of breast. Last evaluated: 2023-09-06. Review status: criteria provided, single submitter. Criteria: Myriad Autosomal Dominant, Autosomal Recessive and X-Linked Classification Criteria (2023). Collection method: clinical testing. Allele origin: unknown.
Comment: This variant is considered pathogenic. This variant creates a frameshift predicted to result in premature protein truncation.

Ambry Genetics
Classification: Pathogenic for Hereditary cancer-predisposing syndrome. Last evaluated: 2023-03-15. Review status: criteria provided, single submitter. Criteria: Ambry Variant Classification Scheme 2023. Collection method: clinical testing. Allele origin: germline.
Comment: The c.395delT pathogenic mutation, located in coding exon 4 of the PALB2 gene, results from a deletion of one nucleotide at nucleotide position 395, causing a translational frameshift with a predicted alternate stop codon (p.V132Afs*45). This mutation has been reported in trans with another PALB2 mutation in an individual with Fanconi anemia (Reid S et al. Nat. Genet. 2007 Feb;39(2):162-4). In addition to the clinical data presented in the literature, this alteration is expected to result in loss of function by premature protein truncation or nonsense-mediated mRNA decay. As such, this alteration is interpreted as a disease-causing mutation.

Leiden Open Variation Database
Classification: Pathogenic for Fanconi anemia complementation group N. Last evaluated: 2019-05-13. Review status: no assertion criteria provided. Collection method: curation. Allele origin: germline. Affected: yes. Not counted in ClinVar's aggregate classification.
Comment: Curators: Marc Tischkowitz, Arleen D. Auerbach. Submitters to LOVD: Arleen D. Auerbach, LOVD-team, but with Curator vacancy, Marc Tischkowitz.

Literature cited by the submitters: PubMed 17200668 (cited by Labcorp Genetics (formerly Invitae), Labcorp); PubMed 17200671 (cited by Labcorp Genetics (formerly Invitae), Labcorp and Leiden Open Variation Database); PubMed 17200672 (cited by Labcorp Genetics (formerly Invitae), Labcorp); PubMed 24136930 (cited by Labcorp Genetics (formerly Invitae), Labcorp); PubMed 25099575 (cited by Labcorp Genetics (formerly Invitae), Labcorp); PubMed 19264984 (cited by Leiden Open Variation Database).